The following is an entry in ClinVar:

NM_001953.5(TYMP):c.928+1G>C

Genes: TYMP (thymidine phosphorylase; minus strand), LOC130067862 (ATAC-STARR-seq lymphoblastoid silent region 13986; plus strand). Cytogenetic location: 22q13.33.
Variant type: single nucleotide variant.
Coding change: c.928+1G>C on transcript NM_001953.5 (MANE Select); the canonical splice donor site of the intron after coding-DNA position 928, G replaced by C.
Molecular consequence: splice donor variant.
Genome position (GRCh38, 1-based): chr22:50,526,575, C>G on the plus strand (G>C on the coding strand, the complement: TYMP is on the minus strand). VCF-style: chr22-50526575-C-G. GRCh37 (hg19) VCF-style: chr22-50965004-C-G.
Other names: c.928+1G>C (NM_001257989.1, NM_001257988.1, NM_001113755.3 and 1 more transcripts).
Identifiers: ClinVar variation 2029603 (VCV002029603.4), dbSNP rs1064792876, ClinGen allele CA412198550.

ClinVar aggregate classification (germline): Pathogenic (1 of 4 stars; one submission).

Allele frequency attached by ClinVar (database versions not stated): gnomAD exomes below 0.00001.

Submission:

Labcorp Genetics (formerly Invitae), Labcorp
Classification: Pathogenic. Last evaluated: 2022-09-17. Review status: criteria provided, single submitter. Criteria: Invitae Variant Classification Sherloc (09022015). Collection method: clinical testing. Allele origin: germline.
Comment: This sequence change affects a donor splice site in intron 7 of the TYMP gene. It is expected to disrupt RNA splicing. Variants that disrupt the donor or acceptor splice site typically lead to a loss of protein function (PMID: 16199547), and loss-of-function variants in TYMP are known to be pathogenic (PMID: 9924029, 15781193). This variant is not present in population databases (gnomAD no frequency). Disruption of this splice site has been observed in individual(s) with mitochondrial neurogastrointestinal encephalomyopathy (PMID: 15781193). Algorithms developed to predict the effect of sequence changes on RNA splicing suggest that this variant may disrupt the consensus splice site. For these reasons, this variant has been classified as Pathogenic.

Literature cited by the submitters: PubMed 16199547; PubMed 9924029; PubMed 15781193.